The following is an entry in ClinVar:

ClinVar aggregate classification (germline): Pathogenic (1 of 4 stars; one submission).

Conditions:
Epidermolysis bullosa dystrophica. Also called: Dystrophic epidermolysis bullosa, Hallopeau-Siemens type (formerly); Dystrophic epidermolysis bullosa. Identifiers: Orphanet 303, MedGen C0079294, MONDO:0006543.

gnomAD v4.1: 2 of 1,614,072 alleles (0.00012%); highest among the groups gnomAD compares: Non-Finnish European, 0.00017%; no homozygotes.

Submission:

Natera, Inc.
Classification: Pathogenic for Dystrophic epidermolysis bullosa. Last evaluated: 2025-10-14. Review status: criteria provided, single submitter. Criteria: Natera Variant Classification Schema (03/2026). Collection method: clinical testing. Allele origin: germline.
Comment: The c.520+1G>A variant in COL7A1 is a canonical splice donor site variant predicted to affect pre-mRNA splicing, which may result in an abnormal transcript and altered protein product. This variant is expected to result in nonsense mediated decay, truncation, or a dysfunctional protein product. This variant is rare in the general population with a frequency below the threshold expected for the associated phenotype(s). This variant has been observed in one or more individuals affected with the associated recessive disease, as either homozygous or compound heterozygous with a second variant (PMID: 20818854, 24213372). Given the available evidence, this variant is classified as Pathogenic.

Literature cited by the submitters: PubMed 20818854; PubMed 24213372.

NM_000094.4(COL7A1):c.520+1G>A

Gene: COL7A1 (collagen type VII alpha 1 chain; minus strand). Cytogenetic location: 3p21.31.
Variant type: single nucleotide variant.
Coding change: c.520+1G>A on transcript NM_000094.4 (MANE Select); the canonical splice donor site of the intron after coding-DNA position 520, G replaced by A.
Molecular consequence: splice donor variant.
Genome position (GRCh38, 1-based): chr3:48,593,355, C>T on the plus strand (G>A on the coding strand, the complement: COL7A1 is on the minus strand). VCF-style: chr3-48593355-C-T. GRCh37 (hg19) VCF-style: chr3-48630788-C-T.
Identifiers: ClinVar variation 4817383 (VCV004817383.1).